The following is an entry in ClinVar:

NM_000273.3(GPR143):c.236T>C (p.Leu79Pro)

Gene: GPR143 (G protein-coupled receptor 143; minus strand). Cytogenetic location: Xp22.2.
Variant type: single nucleotide variant.
Coding change: c.236T>C on transcript NM_000273.3 (MANE Select); coding-DNA position 236, T replaced by C.
Protein change: p.Leu79Pro; replaces leucine 79 with proline.
Molecular consequence: missense variant.
Genome position (GRCh38, 1-based): chrX:9,765,582, A>G on the plus strand (T>C on the coding strand, the complement: GPR143 is on the minus strand). VCF-style: chrX-9765582-A-G. GRCh37 (hg19) VCF-style: chrX-9733622-A-G.
Other names: c.236T>C, p.Leu79Pro (NM_001440781.1); short protein forms L79P.
Identifiers: ClinVar variation 5007612 (VCV005007612.2).
Genomic context (GRCh38, chrX:9,765,582, plus strand): 5'-CCAGGCGCTGATCAGATTCCAACCCGCGGGCCGCGCGCGCCCTTACCCAGGCAGCCGAGA[A>G]GGTCGCAGGCAGCGGCAGCGCGCAGGATGCGGACCGAGGCCGGCGGGGACGTCGCGGGGG-3'
Protein context (NP_000264.2, residues 69-89): RILRAAAACD[Leu79Pro]LGCLGMVIRS

ClinVar aggregate classification (germline): Uncertain significance (1 of 4 stars; one submission).

Conditions:
Nystagmus 6, congenital, X-linked (NYS6). Identifiers: MedGen C3151752, MONDO:0010435, OMIM 300814.
Ocular albinism, type I (OA1). Also called: NETTLESHIP-FALLS TYPE OCULAR ALBINISM; Ocular albinism, type I, Nettleship-Falls type; Ocular Albinism type 1; X-linked recessive ocular albinism. Identifiers: Orphanet 54, MedGen C0342684, MONDO:0021019, OMIM 300500.

Submission:

Juno Genomics, Hangzhou Juno Genomics, Inc
Classification: Uncertain significance for Nystagmus 6, congenital, X-linked; Ocular albinism, type I. Review status: criteria provided, single submitter. Criteria: ACMG Guidelines, 2015. Collection method: clinical testing. Allele origin: germline.
Comment: Absent from controls (or at extremely low frequency if recessive) in Genome Aggregation Database.;The prevalence of the variant in affected individuals is significantly increased compared to the prevalence in controls.;Patient's phenotype or family history is highly specific for a disease with a single genetic etiology.